The following is an entry in ClinVar:

NM_033031.3(CCNB3):c.2187G>A (p.Leu729=)

Gene: CCNB3 (cyclin B3; plus strand). Cytogenetic location: Xp11.22.
Variant type: single nucleotide variant.
Coding change: c.2187G>A on transcript NM_033031.3 (MANE Select); coding-DNA position 2187, G replaced by A.
Protein change: p.Leu729=; no amino-acid change (leucine 729 retained).
Molecular consequence: synonymous variant. On other transcripts: intron variant (1).
Genome position (GRCh38, 1-based): chrX:50,310,356, G>A. VCF-style: chrX-50310356-G-A. GRCh37 (hg19) VCF-style: chrX-50053356-G-A.
Other names: c.204+21469G>A (NM_033670.4).
Identifiers: ClinVar variation 2660545 (VCV002660545.24), dbSNP rs2519622462, ClinGen allele CA516571451.

ClinVar aggregate classification (germline): Likely benign (1 of 4 stars; one submission).

Submission:

CeGaT Center for Human Genetics Tuebingen
Classification: Likely benign. Last evaluated: 2022-09-01. Review status: criteria provided, single submitter. Criteria: CeGaT Center For Human Genetics Tuebingen Variant Classification Criteria Version 2. Collection method: clinical testing. Allele origin: germline. Affected: yes. Observed: 1 variant allele.
Comment: CCNB3: PM2:Supporting, BP4, BP7